The following is an entry in ClinVar:

NM_001013838.3(CARMIL2):c.1937G>A (p.Arg646Gln)

Gene: CARMIL2 (capping protein regulator and myosin 1 linker 2; plus strand). Cytogenetic location: 16q22.1.
Variant type: single nucleotide variant.
Coding change: c.1937G>A on transcript NM_001013838.3 (MANE Select); coding-DNA position 1937, G replaced by A.
Protein change: p.Arg646Gln; replaces arginine 646 with glutamine.
Molecular consequence: missense variant.
Genome position (GRCh38, 1-based): chr16:67,649,823, G>A. VCF-style: chr16-67649823-G-A. GRCh37 (hg19) VCF-style: chr16-67683726-G-A.
Other names: c.1829G>A, p.Arg610Gln (NM_001317026.3); c.1937G>A (NM_001013838.1); short protein forms R646Q, R610Q.
Identifiers: ClinVar variation 1448554 (VCV001448554.7), dbSNP rs781084120, ClinGen allele CA8113624.

ClinVar aggregate classification (germline): Uncertain significance. Review status: criteria provided, multiple submitters, no conflicts (2 of 4 stars). 4 submissions from 4 submitters: Uncertain significance (4). Last evaluated 2026-02-07.

Conditions:
Severe combined immunodeficiency due to CARMIL2 deficiency. Also called: IMMUNODEFICIENCY 58. Identifiers: Orphanet 542301, MedGen C4748304, MONDO:0029134, OMIM 618131.

Allele frequency attached by ClinVar (database versions not stated): gnomAD exomes 0.00003 and 0.00006; ExAC 0.00005; gnomAD 0.00014 and 0.00016; TOPMed 0.00029.
gnomAD v4.1: 79 of 1,612,194 alleles (0.0049%); highest among the groups gnomAD compares: Admixed American, 0.05%; no homozygotes.

Submissions (4):

GeneDx
Classification: Uncertain significance. Last evaluated: 2026-02-07. Review status: criteria provided, single submitter. Criteria: GeneDx Variant Classification Process June 2021. Collection method: clinical testing. Allele origin: germline.
Comment: In silico analysis supports that this missense variant has a deleterious effect on protein structure/function; Has not been previously published as pathogenic or benign to our knowledge

Blueprint Genetics
Classification: Uncertain significance. Last evaluated: 2024-05-06. Review status: criteria provided, single submitter. Criteria: ACMG Guidelines, 2015. Collection method: clinical testing. Allele origin: germline.

Labcorp Genetics (formerly Invitae), Labcorp
Classification: Uncertain significance. Last evaluated: 2024-01-02. Review status: criteria provided, single submitter. Criteria: Invitae Variant Classification Sherloc (09022015). Collection method: clinical testing. Allele origin: germline.
Comment: This sequence change replaces arginine, which is basic and polar, with glutamine, which is neutral and polar, at codon 646 of the CARMIL2 protein (p.Arg646Gln). This variant is present in population databases (rs781084120, gnomAD 0.007%). This variant has not been reported in the literature in individuals affected with CARMIL2-related conditions. ClinVar contains an entry for this variant (Variation ID: 1448554). Advanced modeling of protein sequence and biophysical properties (such as structural, functional, and spatial information, amino acid conservation, physicochemical variation, residue mobility, and thermodynamic stability) performed at Invitae indicates that this missense variant is expected to disrupt CARMIL2 protein function with a positive predictive value of 80%. In summary, the available evidence is currently insufficient to determine the role of this variant in disease. Therefore, it has been classified as a Variant of Uncertain Significance.

Center for Genomics, Ann and Robert H. Lurie Children's Hospital of Chicago
Classification: Uncertain significance for Severe combined immunodeficiency due to CARMIL2 deficiency. Last evaluated: 2021-06-21. Review status: criteria provided, single submitter. Criteria: ACMG Guidelines, 2015. Collection method: clinical testing. Allele origin: germline.
Comment: CARMIL2 NM_001013838.2 exon 21 p.Arg646Gln (c.1937G>A): This variant has not been reported in the literature but is present in 0.09% (14/15290) of Latino alleles in the Genome Aggregation Database. Evolutionary conservation and computational predictive tools for this variant are unclear. In summary, data on this variant is insufficient for disease classification. Therefore, the clinical significance of this variant is uncertain.